The following is an entry in ClinVar:

NM_000587.4(C7):c.376C>T (p.Pro126Ser)

Gene: C7 (complement C7; plus strand). Cytogenetic location: 5p13.1.
Variant type: single nucleotide variant.
Coding change: c.376C>T on transcript NM_000587.4 (MANE Select); coding-DNA position 376, C replaced by T.
Protein change: p.Pro126Ser; replaces proline 126 with serine.
Molecular consequence: missense variant.
Genome position (GRCh38, 1-based): chr5:40,936,433, C>T. VCF-style: chr5-40936433-C-T. GRCh37 (hg19) VCF-style: chr5-40936535-C-T.
Other names: short protein forms P126S.
Identifiers: ClinVar variation 2190369 (VCV002190369.5), dbSNP rs368083143, ClinGen allele CA3249616.

ClinVar aggregate classification (germline): Uncertain significance. Review status: criteria provided, multiple submitters, no conflicts (2 of 4 stars). 2 submissions from 2 submitters: Uncertain significance (2). Last evaluated 2025-06-12.

Conditions:
Inborn genetic diseases. Identifiers: MedGen C0950123, MeSH D030342.

Allele frequency attached by ClinVar (database versions not stated): ESP Exome Variant Server 0.00008.
gnomAD v4.1: 28 of 1,613,054 alleles (0.0017%); highest among the groups gnomAD compares: African/African-American, 0.029%; no homozygotes.

Submissions (2):

Labcorp Genetics (formerly Invitae), Labcorp
Classification: Uncertain significance. Last evaluated: 2025-06-12. Review status: criteria provided, single submitter. Criteria: Invitae Variant Classification Sherloc (09022015). Collection method: clinical testing. Allele origin: germline.
Comment: This sequence change replaces proline, which is neutral and non-polar, with serine, which is neutral and polar, at codon 126 of the C7 protein (p.Pro126Ser). This variant is present in population databases (rs368083143, gnomAD 0.03%). This variant has not been reported in the literature in individuals affected with C7-related conditions. ClinVar contains an entry for this variant (Variation ID: 2190369). Invitae Evidence Modeling of protein sequence and biophysical properties (such as structural, functional, and spatial information, amino acid conservation, physicochemical variation, residue mobility, and thermodynamic stability) indicates that this missense variant is not expected to disrupt C7 protein function with a negative predictive value of 80%. In summary, the available evidence is currently insufficient to determine the role of this variant in disease. Therefore, it has been classified as a Variant of Uncertain Significance.

Ambry Genetics
Classification: Uncertain significance for Inborn genetic diseases. Last evaluated: 2024-11-28. Review status: criteria provided, single submitter. Criteria: Ambry Variant Classification Scheme 2023. Collection method: clinical testing. Allele origin: germline.